The following is an entry in ClinVar:

ClinVar aggregate classification (germline): Likely benign. Review status: criteria provided, multiple submitters, no conflicts (2 of 4 stars). 7 submissions from 7 submitters: Likely benign (4). 3 of the submissions do not count toward it. Last evaluated 2026-01-26.

Conditions:
Mitochondrial complex II deficiency, nuclear type 1. Also called: SUCCINATE CoQ REDUCTASE DEFICIENCY. Identifiers: Orphanet 3208, MedGen C5700310, MONDO:0100294, OMIM 252011.
Pheochromocytoma/paraganglioma syndrome 5. Also called: Paragangliomas 5; SDHA-Related Hereditary Paraganglioma-Pheochromocytoma Syndrome. Identifiers: Orphanet 29072, MedGen C3279992, MONDO:0013602, OMIM 614165.

Allele frequency attached by ClinVar (database versions not stated): gnomAD exomes 0.00002 and 0.00010; ExAC 0.00012; 1000 Genomes Project 0.00020; 1000 Genomes Project 30x 0.00031; gnomAD 0.00035 and 0.00037; TOPMed 0.00042; ESP Exome Variant Server 0.00046.
gnomAD v4.1: 93 of 1,613,660 alleles (0.0058%); highest among the groups gnomAD compares: African/African-American, 0.11%; no homozygotes.

Submissions (7):

Labcorp Genetics (formerly Invitae), Labcorp
Classification: Likely benign for Pheochromocytoma/paraganglioma syndrome 5; Mitochondrial complex II deficiency, nuclear type 1. Last evaluated: 2026-01-26. Review status: criteria provided, single submitter. Criteria: Invitae Variant Classification Sherloc (09022015). Collection method: clinical testing. Allele origin: germline.

Blueprint Genetics
Classification: Likely benign. Last evaluated: 2024-09-16. Review status: criteria provided, single submitter. Criteria: ACMG Guidelines, 2015. Collection method: clinical testing. Allele origin: germline.

Myriad Genetics, Inc.
Classification: Likely benign for Pheochromocytoma/paraganglioma syndrome 5. Last evaluated: 2023-04-21. Review status: criteria provided, single submitter. Criteria: Myriad Autosomal Dominant, Autosomal Recessive and X-Linked Classification Criteria (2023). Collection method: clinical testing. Allele origin: unknown.
Comment: This variant is considered likely benign. This variant is intronic and is not expected to impact mRNA splicing.

GeneDx
Classification: Likely benign. Last evaluated: 2020-02-10. Review status: criteria provided, single submitter. Criteria: GeneDx Variant Classification Process June 2021. Collection method: clinical testing. Allele origin: germline. Affected: yes.
Comment: This variant is associated with the following publications: (PMID: 29177515)

Counsyl
Classification: Uncertain significance for Pheochromocytoma/paraganglioma syndrome 5. Last evaluated: 2016-03-22. Review status: no assertion criteria provided. Collection method: clinical testing. Allele origin: unknown. Not counted in ClinVar's aggregate classification.

Diagnostic Laboratory, Department of Genetics, University Medical Center Groningen
Classification: Likely benign. Review status: no assertion criteria provided. Collection method: clinical testing. Allele origin: germline. Affected: yes. Study: VKGL Data-share Consensus. Not counted in ClinVar's aggregate classification.

Joint Genome Diagnostic Labs from Nijmegen and Maastricht, Radboudumc and MUMC+
Classification: Likely benign. Review status: no assertion criteria provided. Collection method: clinical testing. Allele origin: germline. Affected: yes. Study: VKGL Data-share Consensus. Not counted in ClinVar's aggregate classification.

NM_004168.4(SDHA):c.622-8T>C

Gene: SDHA (succinate dehydrogenase complex flavoprotein subunit A; plus strand). Cytogenetic location: 5p15.33.
Variant type: single nucleotide variant.
Coding change: c.622-8T>C on transcript NM_004168.4 (MANE Select); 8 bases into the intron before coding-DNA position 622, T replaced by C.
Molecular consequence: intron variant.
Genome position (GRCh38, 1-based): chr5:228,177, T>C. VCF-style: chr5-228177-T-C. GRCh37 (hg19) VCF-style: chr5-228292-T-C.
Other names: c.622-8T>C (NM_001330758.2); c.478-8T>C (NM_001294332.2).
Identifiers: ClinVar variation 239678 (VCV000239678.21), dbSNP rs370714378, ClinGen allele CA3172923.
Genomic context (GRCh38, chr5:228,177, plus strand): 5'-CAGATACCACCTTAAAACCTTAAAGTTTGGCTTAACACTTCTTGCCCTTTTTTTTTCCTT[T>C]CTTTTAGTCTCTGCGATATGATACCAGCTATTTTGTGGAGTATTTTGCCTTGGATCTCCT-3'